The following is an entry in ClinVar:

NM_004415.4(DSP):c.8493_8504dup (p.2827_2830SGSR[6])

Gene: DSP (desmoplakin; plus strand). Cytogenetic location: 6p24.3.
Variant type: Duplication.
Coding change: c.8493_8504dup on transcript NM_004415.4 (MANE Select); coding-DNA positions 8493 to 8504, 12 bases duplicated (GGGATCTCGCTC).
Protein change: p.2827_2830SGSR[6].
Molecular consequence: inframe insertion.
Genome position (GRCh38, 1-based): chr6:7,585,755-7,585,766, GGGATCTCGCTC duplicated; duplicating any 12 consecutive bases within chr6:7,585,750-7,585,766 gives the same sequence; the c. name uses the placement nearest the transcript's 3' end. VCF-style (leftmost placement, unchanged base first): chr6-7585749-C-CCGCTCGGGATCT. GRCh37 (hg19) VCF-style: chr6-7585982-C-CCGCTCGGGATCT.
Other names: c.8493_8504dupGGGATCTCGCTC (NM_004415.2); c.8493_8504dup12 (NM_004415.4); c.8493_8504dup (LRG_423t1); c.6696_6707dup, p.2228_2231SGSR[6] (NM_001008844.3); c.7164_7175dup, p.2384_2387SGSR[6] (NM_001319034.2).
Identifiers: ClinVar variation 519066 (VCV000519066.21), dbSNP rs748194022, ClinGen allele CA052498.

ClinVar aggregate classification (germline): Uncertain significance. Review status: criteria provided, multiple submitters, no conflicts (2 of 4 stars). 5 submissions from 5 submitters: Uncertain significance (5). Last evaluated 2025-12-29.

Conditions:
Cardiovascular phenotype. Identifiers: MedGen CN230736.
Cardiomyopathy (CMYO). Also called: Cardiomyopathies. Identifiers: Orphanet 167848, MedGen C0878544, MONDO:0004994, HP:0001638. Inheritance: Various modes of inheritance.
Arrhythmogenic cardiomyopathy with wooly hair and keratoderma. Also called: PALMOPLANTAR KERATODERMA WITH LEFT VENTRICULAR CARDIOMYOPATHY AND WOOLLY HAIR; Arrhythmogenic cardiomyopathy with woolly hair and keratoderma; Dilated cardiomyopathy with woolly hair and keratoderma; Carvajal syndrome. Identifiers: Orphanet 65282, MedGen C1854063, MONDO:0011581, OMIM 605676.
Arrhythmogenic right ventricular dysplasia 8 (ARVD8). Also called: ARRHYTHMOGENIC RIGHT VENTRICULAR CARDIOMYOPATHY 8; ARRHYTHMOGENIC RIGHT VENTRICULAR DYSPLASIA, FAMILIAL, 8; Arrhythmogenic Right Ventricular Dysplasia/Cardiomyopathy 8. Identifiers: MedGen C1843896, MONDO:0011831, OMIM 607450.

Submissions (5):

Labcorp Genetics (formerly Invitae), Labcorp
Classification: Uncertain significance for Arrhythmogenic cardiomyopathy with wooly hair and keratoderma; Arrhythmogenic right ventricular dysplasia 8. Last evaluated: 2025-12-29. Review status: criteria provided, single submitter. Criteria: Invitae Variant Classification Sherloc (09022015). Collection method: clinical testing. Allele origin: germline.
Comment: This variant, c.8493_8504dup, results in the insertion of 4 amino acid(s) of the DSP protein (p.Ser2843_Arg2846dup), but otherwise preserves the integrity of the reading frame. This variant is present in population databases (rs748194022, gnomAD 0.003%). This variant has been observed in individual(s) with dilated cardiomyopathy (PMID: 33652119). ClinVar contains an entry for this variant (Variation ID: 519066). Experimental studies and prediction algorithms are not available or were not evaluated, and the functional significance of this variant is currently unknown. In summary, the available evidence is currently insufficient to determine the role of this variant in disease. Therefore, it has been classified as a Variant of Uncertain Significance.

Women's Health and Genetics/Laboratory Corporation of America, LabCorp
Classification: Uncertain significance. Last evaluated: 2025-01-14. Review status: criteria provided, single submitter. Criteria: LabCorp Variant Classification Summary - May 2015. Collection method: clinical testing. Allele origin: germline.
Comment: Variant summary: DSP c.8493_8504dup12 (p.Ser2843_Arg2846dup) results in an in-frame duplication that is predicted to duplicate 4 amino acids into the encoded protein. The variant allele was found at a frequency of 1.2e-05 in 247138 control chromosomes. The available data on variant occurrences in the general population are insufficient to allow any conclusion about variant significance. To our knowledge, no occurrence of c.8493_8504dup12 in individuals affected with heritable DSP-related conditions and no experimental evidence demonstrating its impact on protein function have been reported. The following publication has been ascertained in the context of this evaluation (PMID: 33652119). ClinVar contains an entry for this variant (Variation ID: 519066). Based on the evidence outlined above, the variant was classified as uncertain significance.

All of Us Research Program, National Institutes of Health
Classification: Uncertain significance for Arrhythmogenic cardiomyopathy with wooly hair and keratoderma. Last evaluated: 2023-12-13. Review status: criteria provided, single submitter. Criteria: ACMG Guidelines, 2015. Collection method: clinical testing. Allele origin: germline. Inheritance: Autosomal dominant inheritance. Observed: 2 variant alleles, 2 heterozygotes.
Comment: This variant causes an in-frame duplication of 4 amino acids in the DSP protein. To our knowledge, functional studies have not been reported for this variant. This variant has been reported in one individual affected with dilated cardiomyopathy who experienced a sudden cardiac arrest (PMID: 33652119). This variant has been identified in 3/247138 chromosomes in the general population by the Genome Aggregation Database (gnomAD). The available evidence is insufficient to determine the role of this variant in disease conclusively. Therefore, this variant is classified as a Variant of Uncertain Significance.

This study involves interpretation of variants in research participants for the purpose of population health screening. Participant phenotype was not available at the time of variant classification. Additional details can be found in publication PMID: 35346344, PMCID: PMC8962531

Color Diagnostics, LLC DBA Color Health
Classification: Uncertain significance for Cardiomyopathy. Last evaluated: 2023-10-12. Review status: criteria provided, single submitter. Criteria: ACMG Guidelines, 2015. Collection method: clinical testing. Allele origin: germline.
Comment: This variant causes an in-frame duplication of 4 amino acids in the DSP protein. To our knowledge, functional studies have not been reported for this variant. This variant has been reported in one individual affected with dilated cardiomyopathy who experienced a sudden cardiac arrest (PMID: 33652119). This variant has been identified in 3/247138 chromosomes in the general population by the Genome Aggregation Database (gnomAD). The available evidence is insufficient to determine the role of this variant in disease conclusively. Therefore, this variant is classified as a Variant of Uncertain Significance.

Ambry Genetics
Classification: Uncertain significance for Cardiovascular phenotype. Last evaluated: 2017-01-07. Review status: criteria provided, single submitter. Criteria: Ambry Variant Classification Scheme 2023. Collection method: clinical testing. Allele origin: germline.
Comment: The c.8493_8504dup12 variant (also known as p.S2843_R2846dup) is located in coding exon 24 of the DSP gene. This variant results from an in-frame duplication of 12 nucleotides between positions 8493 to 8504. This results in the duplication of 4 residues between codons 2843 and 2846. These amino acid positions are well conserved in available vertebrate species. Since supporting evidence is limited at this time, the clinical significance of this alteration remains unclear.

Literature cited by the submitters: PubMed 33652119 (cited by 4 submitters).